The following is an entry in ClinVar:

ClinVar aggregate classification (germline): Uncertain significance (1 of 4 stars; one submission).

Allele frequency attached by ClinVar (database versions not stated): TOPMed below 0.00001.

Submission:

Women's Health and Genetics/Laboratory Corporation of America, LabCorp
Classification: Uncertain significance. Last evaluated: 2023-02-01. Review status: criteria provided, single submitter. Criteria: LabCorp Variant Classification Summary - May 2015. Collection method: clinical testing. Allele origin: germline.
Comment: Variant summary: NOTCH2 c.1109-14C>T alters a non-conserved nucleotide located close to a canonical splice site and therefore could affect mRNA splicing, leading to a significantly altered protein sequence. 4/4 computational tools predict no significant impact on normal splicing. However, these predictions have yet to be confirmed by functional studies. The variant was absent in 249982 control chromosomes (gnomAD). The available data on variant occurrences in the general population are insufficient to allow any conclusion about variant significance. To our knowledge, no occurrence of c.1109-14C>T in individuals affected with Hajdu-Cheney Syndrome and no experimental evidence demonstrating its impact on protein function have been reported. No submitters have provided clinical-significance assessments for this variant to ClinVar after 2014. Based on the evidence outlined above, the variant was classified as uncertain significance.

NM_024408.4(NOTCH2):c.1109-14C>T

Gene: NOTCH2 (notch receptor 2; minus strand). Cytogenetic location: 1p12.
Variant type: single nucleotide variant.
Coding change: c.1109-14C>T on transcript NM_024408.4 (MANE Select); 14 bases into the intron before coding-DNA position 1109, C replaced by T.
Molecular consequence: intron variant.
Genome position (GRCh38, 1-based): chr1:119,968,246, G>A on the plus strand (C>T on the coding strand, the complement: NOTCH2 is on the minus strand). VCF-style: chr1-119968246-G-A. GRCh37 (hg19) VCF-style: chr1-120510869-G-A.
Other names: c.1109-14C>T (NM_001200001.2, NM_024408.3).
Identifiers: ClinVar variation 2445751 (VCV002445751.1), dbSNP rs1432295506, ClinGen allele CA886304727.